The following is an entry in ClinVar:

ClinVar aggregate classification (germline): Uncertain significance (1 of 4 stars; one submission).

Conditions:
Achondrogenesis type II (ACG2). Also called: ACHONDROGENESIS, LANGER-SALDINO TYPE; CHONDROGENESIS IMPERFECTA. Identifiers: Orphanet 932, Orphanet 93296, MedGen C0220685, MONDO:0008702, OMIM 200610.

Submission:

Centre for Mendelian Genomics, University Medical Centre Ljubljana
Classification: Uncertain significance for Achondrogenesis type II. Last evaluated: 2016-01-01. Review status: criteria provided, single submitter. Criteria: ACMG Guidelines, 2015. Collection method: clinical testing. Allele origin: unknown. Affected: yes.
Comment: This variant was classified as: Uncertain significance.

NM_001844.5(COL2A1):c.2111dup (p.Gly705fs)

Gene: COL2A1 (collagen type II alpha 1 chain; minus strand). Cytogenetic location: 12q13.11.
Variant type: Duplication.
Coding change: c.2111dup on transcript NM_001844.5 (MANE Select); coding-DNA position 2111, one base duplicated (C; older notation c.2111dupC).
Protein change: p.Gly705fs; shifts the reading frame from glycine 705.
Molecular consequence: frameshift variant.
Genome position (GRCh38, 1-based): chr12:47,982,930, G duplicated on the plus strand (C on the coding strand, the reverse complement: COL2A1 is on the minus strand); the first of 3 consecutive G bases (chr12:47,982,930-47,982,932); duplicating any one gives the same sequence. VCF-style (leftmost placement, unchanged base first): chr12-47982929-T-TG. GRCh37 (hg19) VCF-style: chr12-48376712-T-TG.
Other names: c.1904dup, p.Gly636fs (NM_033150.3); short protein forms G636fs, G705fs.
Identifiers: ClinVar variation 931126 (VCV000931126.3), dbSNP rs1939177362, ClinGen allele CA1139662595.